The following is an entry in ClinVar:

NM_014915.3(ANKRD26):c.3574A>G (p.Arg1192Gly)

Gene: ANKRD26 (ankyrin repeat domain 26; minus strand). Cytogenetic location: 10p12.1.
Variant type: single nucleotide variant.
Coding change: c.3574A>G on transcript NM_014915.3 (MANE Select); coding-DNA position 3574, A replaced by G.
Protein change: p.Arg1192Gly; replaces arginine 1192 with glycine.
Molecular consequence: missense variant.
Genome position (GRCh38, 1-based): chr10:27,034,876, T>C on the plus strand (A>G on the coding strand, the complement: ANKRD26 is on the minus strand). VCF-style: chr10-27034876-T-C. GRCh37 (hg19) VCF-style: chr10-27323805-T-C.
Other names: c.3571A>G, p.Arg1191Gly (NM_001256053.2); short protein forms R1191G, R1192G.
Identifiers: ClinVar variation 4859482 (VCV004859482.1).

ClinVar aggregate classification (germline): Uncertain significance (1 of 4 stars; one submission).

Conditions:
Inborn genetic diseases. Identifiers: MedGen C0950123, MeSH D030342.

Submission:

Ambry Genetics
Classification: Uncertain significance for Inborn genetic diseases. Last evaluated: 2026-04-23. Review status: criteria provided, single submitter. Criteria: Ambry Variant Classification Scheme 2023. Collection method: clinical testing. Allele origin: germline.
Comment: The p.R1192G variant (also known as c.3574A>G), located in coding exon 24 of the ANKRD26 gene, results from an A to G substitution at nucleotide position 3574. The arginine at codon 1192 is replaced by glycine, an amino acid with dissimilar properties. This amino acid position is conserved. In addition, this alteration is predicted to be tolerated by in silico analysis. Based on the available evidence, the clinical significance of this variant remains unclear.